The following is an entry in ClinVar:

ClinVar aggregate classification (germline): Benign. Review status: criteria provided, single submitter (1 of 4 stars). 2 submissions from 2 submitters: Benign (1). 1 of the submissions does not count toward it. Last evaluated 2019-12-31.

Conditions:
ATP2B3-related disorder. Also called: ATP2B3-related condition.

Allele frequency attached by ClinVar (database versions not stated): gnomAD exomes 0.00057 and 0.00158; ExAC 0.00191; 1000 Genomes Project 30x 0.00312; 1000 Genomes Project 0.00344; gnomAD 0.00567 and 0.00620; TOPMed 0.00682; ESP Exome Variant Server 0.00918.
gnomAD v4.1: 1,291 of 1,209,977 alleles (0.11%); highest among the groups gnomAD compares: African/African-American, 2%; 7 homozygotes.

Submissions (2):

Labcorp Genetics (formerly Invitae), Labcorp
Classification: Benign. Last evaluated: 2019-12-31. Review status: criteria provided, single submitter. Criteria: Invitae Variant Classification Sherloc (09022015). Collection method: clinical testing. Allele origin: germline.

PreventionGenetics, part of Exact Sciences
Classification: Benign for ATP2B3-related condition. Last evaluated: 2019-05-23. Review status: no assertion criteria provided. Collection method: clinical testing. Allele origin: germline. Not counted in ClinVar's aggregate classification.
Comment: This variant is classified as benign based on ACMG/AMP sequence variant interpretation guidelines (Richards et al. 2015 PMID: 25741868, with internal and published modifications).

NM_001001344.3(ATP2B3):c.1293G>A (p.Glu431=)

Gene: ATP2B3 (ATPase plasma membrane Ca2+ transporting 3; plus strand). Cytogenetic location: Xq28.
Variant type: single nucleotide variant.
Coding change: c.1293G>A on transcript NM_001001344.3 (MANE Select); coding-DNA position 1293, G replaced by A.
Protein change: p.Glu431=; no amino-acid change (glutamic acid 431 retained).
Molecular consequence: synonymous variant.
Genome position (GRCh38, 1-based): chrX:153,548,809, G>A. VCF-style: chrX-153548809-G-A. GRCh37 (hg19) VCF-style: chrX-152814267-G-A.
Other names: c.1293G>A, p.Glu431= (NM_001388360.1, NM_001388361.1, NM_001388362.1 and 1 more transcripts).
Identifiers: ClinVar variation 787520 (VCV000787520.6), dbSNP rs62642558, ClinGen allele CA10547702.